The following is an entry in ClinVar:

NM_001291303.3(FAT4):c.14678G>A (p.Arg4893Gln)

Gene: FAT4 (FAT atypical cadherin 4; plus strand). Cytogenetic location: 4q28.1.
Variant type: single nucleotide variant.
Coding change: c.14678G>A on transcript NM_001291303.3 (MANE Select); coding-DNA position 14678, G replaced by A.
Protein change: p.Arg4893Gln; replaces arginine 4893 with glutamine.
Molecular consequence: missense variant.
Genome position (GRCh38, 1-based): chr4:125,491,494, G>A. VCF-style: chr4-125491494-G-A. GRCh37 (hg19) VCF-style: chr4-126412649-G-A.
Other names: c.14678G>A (NM_001291303.1); c.14675G>A, p.Arg4892Gln (NM_001291285.3); c.14672G>A, p.Arg4891Gln (NM_024582.6); short protein forms R4891Q, R4892Q, R4893Q.
Identifiers: ClinVar variation 1624075 (VCV001624075.10), dbSNP rs151139631, ClinGen allele CA3074603.

ClinVar aggregate classification (germline): Benign. Review status: criteria provided, single submitter (1 of 4 stars). 2 submissions from 2 submitters: Benign (1). 1 of the submissions does not count toward it. Last evaluated 2025-03-26.

Conditions:
FAT4-related disorder. Also called: FAT4-related condition.

Allele frequency attached by ClinVar (database versions not stated): gnomAD 0.00006; ESP Exome Variant Server 0.00008; TOPMed 0.00008; ExAC 0.00012; gnomAD exomes 0.00017.
gnomAD v4.1: 53 of 1,614,008 alleles (0.0033%); highest among the groups gnomAD compares: East Asian, 0.08%; no homozygotes.

Submissions (2):

Labcorp Genetics (formerly Invitae), Labcorp
Classification: Benign. Last evaluated: 2025-03-26. Review status: criteria provided, single submitter. Criteria: Invitae Variant Classification Sherloc (09022015). Collection method: clinical testing. Allele origin: germline.

PreventionGenetics, part of Exact Sciences
Classification: Likely benign for FAT4-related condition. Last evaluated: 2024-09-13. Review status: no assertion criteria provided. Collection method: clinical testing. Allele origin: germline. Not counted in ClinVar's aggregate classification.
Comment: This variant is classified as likely benign based on ACMG/AMP sequence variant interpretation guidelines (Richards et al. 2015 PMID: 25741868, with internal and published modifications).